The following is an entry in ClinVar:

ClinVar aggregate classification (germline): Uncertain significance. Review status: criteria provided, multiple submitters, no conflicts (2 of 4 stars). 2 submissions from 2 submitters: Uncertain significance (2). Last evaluated 2025-09-07.

Conditions:
Multiple endocrine neoplasia type 4. Also called: MULTIPLE ENDOCRINE NEOPLASIA, TYPE IV. Identifiers: Orphanet 276152, MedGen C1970712, MONDO:0012552, OMIM 610755.
Hereditary cancer-predisposing syndrome. Also called: Hereditary Cancer Syndrome; Tumor predisposition; Neoplastic Syndromes, Hereditary; Hereditary neoplastic syndrome. Identifiers: Orphanet 140162, MedGen C0027672, MeSH D009386, MONDO:0015356.

Submissions (2):

Ambry Genetics
Classification: Uncertain significance for Hereditary cancer-predisposing syndrome. Last evaluated: 2025-09-07. Review status: criteria provided, single submitter. Criteria: Ambry Variant Classification Scheme 2023. Collection method: clinical testing. Allele origin: germline.
Comment: The p.L118S variant (also known as c.353T>C), located in coding exon 1 of the CDKN1B gene, results from a T to C substitution at nucleotide position 353. The leucine at codon 118 is replaced by serine, an amino acid with dissimilar properties. This amino acid position is conserved. In addition, this alteration is predicted to be tolerated by in silico analysis. Based on the available evidence, the clinical significance of this variant remains unclear.

Labcorp Genetics (formerly Invitae), Labcorp
Classification: Uncertain significance for Multiple endocrine neoplasia type 4. Last evaluated: 2022-03-10. Review status: criteria provided, single submitter. Criteria: Invitae Variant Classification Sherloc (09022015). Collection method: clinical testing. Allele origin: germline.
Comment: This sequence change replaces leucine, which is neutral and non-polar, with serine, which is neutral and polar, at codon 118 of the CDKN1B protein (p.Leu118Ser). This variant is not present in population databases (gnomAD no frequency). This variant has not been reported in the literature in individuals affected with CDKN1B-related conditions. Algorithms developed to predict the effect of missense changes on protein structure and function output the following: SIFT: "Tolerated"; PolyPhen-2: "Benign"; Align-GVGD: "Class C0". The serine amino acid residue is found in multiple mammalian species, which suggests that this missense change does not adversely affect protein function. In summary, the available evidence is currently insufficient to determine the role of this variant in disease. Therefore, it has been classified as a Variant of Uncertain Significance.

NM_004064.5(CDKN1B):c.353T>C (p.Leu118Ser)

Gene: CDKN1B (cyclin dependent kinase inhibitor 1B; plus strand). Cytogenetic location: 12p13.1.
Variant type: single nucleotide variant.
Coding change: c.353T>C on transcript NM_004064.5 (MANE Select); coding-DNA position 353, T replaced by C.
Protein change: p.Leu118Ser; replaces leucine 118 with serine.
Molecular consequence: missense variant.
Genome position (GRCh38, 1-based): chr12:12,718,192, T>C. VCF-style: chr12-12718192-T-C. GRCh37 (hg19) VCF-style: chr12-12871126-T-C.
Other names: c.353T>C (NM_004064.3); short protein forms L118S.
Identifiers: ClinVar variation 2108447 (VCV002108447.5), dbSNP rs2136356246, ClinGen allele CA383970350.